The following is an entry in ClinVar:

NM_177438.3(DICER1):c.25C>G (p.Leu9Val)

Gene: DICER1 (dicer 1, ribonuclease III; minus strand). Cytogenetic location: 14q32.13.
Variant type: single nucleotide variant.
Coding change: c.25C>G on transcript NM_177438.3 (MANE Select); coding-DNA position 25, C replaced by G.
Protein change: p.Leu9Val; replaces leucine 9 with valine.
Molecular consequence: missense variant. On other transcripts: 5 prime UTR variant (8), non-coding transcript variant (6), intron variant (1).
Genome position (GRCh38, 1-based): chr14:95,133,434, G>C on the plus strand (C>G on the coding strand, the complement: DICER1 is on the minus strand). VCF-style: chr14-95133434-G-C. GRCh37 (hg19) VCF-style: chr14-95599771-G-C.
Other names: c.25C>G, p.Leu9Val (NM_001395695.1, NM_001195573.1, NM_001271282.3 and 14 more transcripts); c.-250C>G (NM_001395696.1, NM_001395698.1, NM_001395686.1 and 3 more transcripts); c.-1544C>G (NM_001395697.1); c.-434C>G (NM_001395691.1); c.-130-757C>G (NM_001395687.1); short protein forms L9V.
Identifiers: ClinVar variation 3501923 (VCV003501923.1).

ClinVar aggregate classification (germline): Uncertain significance (1 of 4 stars; one submission).

Conditions:
Hereditary cancer-predisposing syndrome. Also called: Tumor predisposition; Neoplastic Syndromes, Hereditary; Hereditary Cancer Syndrome; Hereditary neoplastic syndrome. Identifiers: Orphanet 140162, MedGen C0027672, MeSH D009386, MONDO:0015356.

Submission:

Ambry Genetics
Classification: Uncertain significance for Hereditary cancer-predisposing syndrome. Last evaluated: 2024-10-17. Review status: criteria provided, single submitter. Criteria: Ambry Variant Classification Scheme 2023. Collection method: clinical testing. Allele origin: germline.
Comment: The p.L9V variant (also known as c.25C>G), located in coding exon 1 of the DICER1 gene, results from a C to G substitution at nucleotide position 25. The leucine at codon 9 is replaced by valine, an amino acid with highly similar properties. This amino acid position is conserved. In addition, this alteration is predicted to be tolerated by in silico analysis. Based on the available evidence, the clinical significance of this variant remains unclear.